The following is an entry in ClinVar:

ClinVar aggregate classification (germline): Uncertain significance (1 of 4 stars; one submission).

Conditions:
Autosomal recessive ataxia, Beauce type. Also called: Spinocerebellar ataxia, autosomal recessive 8; ATAXIA, RECESSIVE, OF BEAUCE; SYNE1-Related Autosomal Recessive Cerebellar Ataxia; SYNE1 Deficiency. Identifiers: Orphanet 88644, MedGen C1853116, MONDO:0012549, OMIM 610743.
Emery-Dreifuss muscular dystrophy 4, autosomal dominant (EDMD4). Also called: EMERY-DREIFUSS MUSCULAR DYSTROPHY 4 WITH VARIABLE FEATURES. Identifiers: Orphanet 261, MedGen C2751807, MONDO:0013071, OMIM 612998.

gnomAD v4.1: 9 of 1,613,978 alleles (0.00056%); highest among the groups gnomAD compares: East Asian, 0.0022%; no homozygotes.

Submission:

Labcorp Genetics (formerly Invitae), Labcorp
Classification: Uncertain significance for Emery-Dreifuss muscular dystrophy 4, autosomal dominant; Autosomal recessive ataxia, Beauce type. Last evaluated: 2019-10-24. Review status: criteria provided, single submitter. Criteria: Invitae Variant Classification Sherloc (09022015). Collection method: clinical testing. Allele origin: germline.
Comment: In summary, the available evidence is currently insufficient to determine the role of this variant in disease. Therefore, it has been classified as a Variant of Uncertain Significance. Algorithms developed to predict the effect of missense changes on protein structure and function are either unavailable or do not agree on the potential impact of this missense change (SIFT: "Deleterious"; PolyPhen-2: "Benign"; Align-GVGD: "Class C65"). This variant has not been reported in the literature in individuals with SYNE1-related conditions. This variant is present in population databases (rs771323185, ExAC 0.004%). This sequence change replaces methionine with threonine at codon 4025 of the SYNE1 protein (p.Met4025Thr). The methionine residue is highly conserved and there is a moderate physicochemical difference between methionine and threonine.

NM_182961.4(SYNE1):c.12287T>C (p.Met4096Thr)

Gene: SYNE1 (spectrin repeat containing nuclear envelope protein 1; minus strand). Cytogenetic location: 6q25.2.
Variant type: single nucleotide variant.
Coding change: c.12287T>C on transcript NM_182961.4 (MANE Select); coding-DNA position 12287, T replaced by C.
Protein change: p.Met4096Thr; replaces methionine 4096 with threonine.
Molecular consequence: missense variant.
Genome position (GRCh38, 1-based): chr6:152,339,305, A>G on the plus strand (T>C on the coding strand, the complement: SYNE1 is on the minus strand). VCF-style: chr6-152339305-A-G. GRCh37 (hg19) VCF-style: chr6-152660440-A-G.
Other names: c.12074T>C, p.Met4025Thr (NM_033071.5); short protein forms M4025T, M4096T.
Identifiers: ClinVar variation 955385 (VCV000955385.9), dbSNP rs771323185, ClinGen allele CA4056449.
Genomic context (GRCh38, chr6:152,339,305, plus strand): 5'-TGCTCTGTTTGTTGAATGTCTTTTGCTGTGGTTTTCACCGAAGCATTTGACAGGTCACAC[A>G]TGGAGCAAAGGAGATCTAGGTAGGTCCTTGCCTGCTCTTGCAAAGCTCTGAAGTGTTTGA-3'
Protein context (NP_892006.3, residues 4086-4106): ARTYLDLLCS[Met4096Thr]CDLSNASVKT